The following is an entry in ClinVar:

ClinVar aggregate classification (germline): Uncertain significance. Review status: criteria provided, single submitter (1 of 4 stars). 2 submissions from 2 submitters: Uncertain significance (1). 1 of the submissions does not count toward it. Last evaluated 2023-06-23.

Conditions:
Duchenne muscular dystrophy (DMD). Also called: Duchenne Muscular Dystrophy (DMD); MUSCULAR DYSTROPHY, PSEUDOHYPERTROPHIC PROGRESSIVE, DUCHENNE TYPE. Identifiers: Orphanet 98896, MedGen C0013264, MONDO:0010679, OMIM 310200.
Dystrophin deficiency.
Becker muscular dystrophy (BMD). Also called: MUSCULAR DYSTROPHY, PSEUDOHYPERTROPHIC PROGRESSIVE, BECKER TYPE; Becker Muscular Dystrophy (BMD). Identifiers: Orphanet 98895, MedGen C0917713, MONDO:0010311, OMIM 300376.
Cardiomyopathy (CMYO). Also called: Cardiomyopathies. Identifiers: Orphanet 167848, MedGen C0878544, MONDO:0004994, HP:0001638. Inheritance: Various modes of inheritance.

Allele frequency attached by ClinVar (database versions not stated): gnomAD exomes 0.00001.
gnomAD v4.1: 8 of 1,211,267 alleles (0.00066%); highest among the groups gnomAD compares: Non-Finnish European, 0.00067%; no homozygotes.

Submissions (2):

Labcorp Genetics (formerly Invitae), Labcorp
Classification: Uncertain significance for Duchenne muscular dystrophy. Last evaluated: 2023-06-23. Review status: criteria provided, single submitter. Criteria: Invitae Variant Classification Sherloc (09022015). Collection method: clinical testing. Allele origin: germline.
Comment: In summary, the available evidence is currently insufficient to determine the role of this variant in disease. Therefore, it has been classified as a Variant of Uncertain Significance. Advanced modeling of protein sequence and biophysical properties (such as structural, functional, and spatial information, amino acid conservation, physicochemical variation, residue mobility, and thermodynamic stability) performed at Invitae indicates that this missense variant is not expected to disrupt DMD protein function. ClinVar contains an entry for this variant (Variation ID: 840365). This variant has not been reported in the literature in individuals affected with DMD-related conditions. This variant is not present in population databases (gnomAD no frequency). This sequence change replaces arginine, which is basic and polar, with serine, which is neutral and polar, at codon 204 of the DMD protein (p.Arg204Ser).

Natera, Inc.
Classification: Uncertain significance for Becker muscular dystrophy; Cardiomyopathy; Duchenne muscular dystrophy; Dystrophin deficiency. Last evaluated: 2019-10-10. Review status: no assertion criteria provided. Collection method: clinical testing. Allele origin: germline. Not counted in ClinVar's aggregate classification.

NM_004006.3(DMD):c.612A>T (p.Arg204Ser)

Gene: DMD (dystrophin; minus strand). Cytogenetic location: Xp21.1.
Variant type: single nucleotide variant.
Coding change: c.612A>T on transcript NM_004006.3 (MANE Select); coding-DNA position 612, A replaced by T.
Protein change: p.Arg204Ser; replaces arginine 204 with serine.
Molecular consequence: missense variant.
Genome position (GRCh38, 1-based): chrX:32,809,530, T>A on the plus strand (A>T on the coding strand, the complement: DMD is on the minus strand). VCF-style: chrX-32809530-T-A. GRCh37 (hg19) VCF-style: chrX-32827647-T-A.
Other names: c.588A>T, p.Arg196Ser (NM_000109.4); c.600A>T, p.Arg200Ser (NM_004009.3); c.243A>T, p.Arg81Ser (NM_004010.3); short protein forms R204S, R196S, R81S, R200S.
Identifiers: ClinVar variation 840365 (VCV000840365.11), dbSNP rs2077190196, ClinGen allele CA412673831.